The following is an entry in ClinVar:

ClinVar aggregate classification (germline): Uncertain significance (1 of 4 stars; one submission).

Conditions:
Inborn genetic diseases. Identifiers: MedGen C0950123, MeSH D030342.

Submission:

Ambry Genetics
Classification: Uncertain significance for Inborn genetic diseases. Last evaluated: 2023-04-07. Review status: criteria provided, single submitter. Criteria: Ambry Variant Classification Scheme 2023. Collection method: clinical testing. Allele origin: germline.
Comment: The p.T1500A variant (also known as c.4498A>G), located in coding exon 25 of the ATR gene, results from an A to G substitution at nucleotide position 4498. The threonine at codon 1500 is replaced by alanine, an amino acid with similar properties. This amino acid position is conserved. In addition, this alteration is predicted to be tolerated by in silico analysis. Since supporting evidence is limited at this time, the clinical significance of this alteration remains unclear.

NM_001184.4(ATR):c.4498A>G (p.Thr1500Ala)

Gene: ATR (ATR checkpoint kinase; minus strand). Cytogenetic location: 3q23.
Variant type: single nucleotide variant.
Coding change: c.4498A>G on transcript NM_001184.4 (MANE Select); coding-DNA position 4498, A replaced by G.
Protein change: p.Thr1500Ala; replaces threonine 1500 with alanine.
Molecular consequence: missense variant.
Genome position (GRCh38, 1-based): chr3:142,515,400, T>C on the plus strand (A>G on the coding strand, the complement: ATR is on the minus strand). VCF-style: chr3-142515400-T-C. GRCh37 (hg19) VCF-style: chr3-142234242-T-C.
Other names: c.4306A>G, p.Thr1436Ala (NM_001354579.2); short protein forms T1436A, T1500A.
Identifiers: ClinVar variation 2567801 (VCV002567801.2), dbSNP rs2473231761, ClinGen allele CA354797669.
Genomic context (GRCh38, chr3:142,515,400, plus strand): 5'-TTCTGGTTTCCTTTAGAATTTCCATTCAGTTAACAAACTGAACAGGGTTTCTTACCTTTG[T>C]AATAAGATAACCTGCCCAAGATGCTGACCATTCTGCAAAGTTACTACCCAATTTACTTAA-3'
Protein context (NP_001175.2, residues 1490-1510): WSASWAGYLI[Thr1500Ala]KVRHDLASKI